The following is an entry in ClinVar:

NM_014141.6(CNTNAP2):c.2242G>T (p.Asp748Tyr)

Gene: CNTNAP2 (contactin associated protein 2; plus strand). Cytogenetic location: 7q35.
Variant type: single nucleotide variant.
Coding change: c.2242G>T on transcript NM_014141.6 (MANE Select); coding-DNA position 2242, G replaced by T.
Protein change: p.Asp748Tyr; replaces aspartic acid 748 with tyrosine.
Molecular consequence: missense variant.
Genome position (GRCh38, 1-based): chr7:147,903,708, G>T. VCF-style: chr7-147903708-G-T. GRCh37 (hg19) VCF-style: chr7-147600800-G-T.
Other names: p.D748Y:GAC>TAC; short protein forms D748Y.
Identifiers: ClinVar variation 194401 (VCV000194401.28), dbSNP rs371691712, ClinGen allele CA240326.
Genomic context (GRCh38, chr7:147,903,708, plus strand): 5'-TGTGCCTGCGGCATCGAACGCAACTGCACAGATCCCAAGTACTACTGTAACTGCGACGCG[G>T]ACTACAAGCAATGGTGAGTGCCTGCGGGCAGCACAGCCAGGCTCACCCTCCCAGTGTGCC-3'
Protein context (NP_054860.1, residues 738-758): DPKYYCNCDA[Asp748Tyr]YKQWRKDAGF

ClinVar aggregate classification (germline): Uncertain significance. Review status: criteria provided, multiple submitters, no conflicts (2 of 4 stars). 8 submissions from 8 submitters: Uncertain significance (8). Last evaluated 2025-11-06.

Conditions:
Inborn genetic diseases. Identifiers: MedGen C0950123, MeSH D030342.
Cortical dysplasia-focal epilepsy syndrome (PTHSL1). Also called: Pitt-Hopkins-like syndrome 1. Identifiers: Orphanet 163681, Orphanet 221150, MedGen C2750246, MONDO:0012400, OMIM 610042.
Autism, susceptibility to, 15. Also called: Autism susceptibility 15. Identifiers: MedGen C2677504, MONDO:0012801, OMIM 612100.

Allele frequency attached by ClinVar (database versions not stated): TOPMed 0.00004; ExAC 0.00016; gnomAD exomes 0.00016; 1000 Genomes Project 30x 0.00094; 1000 Genomes Project 0.00100.
gnomAD v4.1: 104 of 1,613,754 alleles (0.0064%); highest among the groups gnomAD compares: East Asian, 0.1%; 1 homozygote.

Submissions (8):

GeneDx
Classification: Uncertain significance. Last evaluated: 2025-11-06. Review status: criteria provided, single submitter. Criteria: GeneDx Variant Classification Process June 2021. Collection method: clinical testing. Allele origin: germline. Affected: yes.
Comment: In silico analysis supports that this missense variant has a deleterious effect on protein structure/function; Has not been previously published as pathogenic or benign to our knowledge

Blueprint Genetics
Classification: Uncertain significance. Last evaluated: 2024-09-18. Review status: criteria provided, single submitter. Criteria: ACMG Guidelines, 2015. Collection method: clinical testing. Allele origin: germline.

Labcorp Genetics (formerly Invitae), Labcorp
Classification: Uncertain significance for Cortical dysplasia-focal epilepsy syndrome. Last evaluated: 2022-10-19. Review status: criteria provided, single submitter. Criteria: Invitae Variant Classification Sherloc (09022015). Collection method: clinical testing. Allele origin: germline.
Comment: This sequence change replaces aspartic acid, which is acidic and polar, with tyrosine, which is neutral and polar, at codon 748 of the CNTNAP2 protein (p.Asp748Tyr). This variant is present in population databases (rs371691712, gnomAD 0.1%). This variant has not been reported in the literature in individuals affected with CNTNAP2-related conditions. ClinVar contains an entry for this variant (Variation ID: 194401). Algorithms developed to predict the effect of missense changes on protein structure and function (SIFT, PolyPhen-2, Align-GVGD) all suggest that this variant is likely to be disruptive. In summary, the available evidence is currently insufficient to determine the role of this variant in disease. Therefore, it has been classified as a Variant of Uncertain Significance.

Center for Genomics, Ann and Robert H. Lurie Children's Hospital of Chicago
Classification: Uncertain significance for Cortical dysplasia-focal epilepsy syndrome; Autism, susceptibility to, 15. Last evaluated: 2022-09-15. Review status: criteria provided, single submitter. Criteria: ACMG Guidelines, 2015. Collection method: clinical testing. Allele origin: germline.
Comment: CNTNAP2 NM_014141.5 exon 14 p.Asp748Tyr (c.2242G>T): This variant has not been reported in the literature but is present in 0.1% (22/18746) of East Asian alleles in the Genome Aggregation Database. This variant is present in ClinVar (Variation ID:194401). Evolutionary conservation and computational predictive tools suggest that this variant may impact the protein. In summary, data on this variant is insufficient for disease classification. Therefore, the clinical significance of this variant is uncertain.

Eurofins Ntd Llc (ga)
Classification: Uncertain significance. Last evaluated: 2018-04-23. Review status: criteria provided, single submitter. Criteria: EGL ClinVar v180209 classification definitions. Collection method: clinical testing. Allele origin: germline. Observed: 1 variant allele, 1 heterozygote.

Ambry Genetics
Classification: Uncertain significance for Inborn genetic diseases. Last evaluated: 2018-04-09. Review status: criteria provided, single submitter. Criteria: Ambry Variant Classification Scheme 2023. Collection method: clinical testing. Allele origin: germline.
Comment: The p.D748Y variant (also known as c.2242G>T), located in coding exon 14 of the CNTNAP2 gene, results from a G to T substitution at nucleotide position 2242. The aspartic acid at codon 748 is replaced by tyrosine, an amino acid with highly dissimilar properties. This amino acid position is highly conserved in available vertebrate species. In addition, the in silico prediction for this alteration is inconclusive. Since supporting evidence is limited at this time, the clinical significance of this alteration remains unclear.

Illumina Laboratory Services, Illumina
Classification: Uncertain significance for Cortical dysplasia-focal epilepsy syndrome. Last evaluated: 2018-01-13. Review status: criteria provided, single submitter. Criteria: ICSL Variant Classification Criteria 13 December 2019. Collection method: clinical testing. Allele origin: germline.

Genetic Services Laboratory, University of Chicago
Classification: Uncertain significance. Last evaluated: 2016-06-24. Review status: criteria provided, single submitter. Criteria: ACMG Guidelines, 2015. Collection method: clinical testing. Allele origin: germline. Affected: no.